The following is an entry in ClinVar:

NM_015215.4(CAMTA1):c.3167A>G (p.His1056Arg)

Gene: CAMTA1 (calmodulin binding transcription activator 1; plus strand). Cytogenetic location: 1p36.23.
Variant type: single nucleotide variant.
Coding change: c.3167A>G on transcript NM_015215.4 (MANE Select); coding-DNA position 3167, A replaced by G.
Protein change: p.His1056Arg; replaces histidine 1056 with arginine.
Molecular consequence: missense variant.
Genome position (GRCh38, 1-based): chr1:7,736,444, A>G. VCF-style: chr1-7736444-A-G. GRCh37 (hg19) VCF-style: chr1-7796504-A-G.
Other names: c.3077A>G, p.His1026Arg (NM_001349608.2, NM_001349612.2); c.3167A>G, p.His1056Arg (NM_001349609.2, NM_001349610.2, NM_001410737.1); c.239A>G, p.His80Arg (NM_001349623.1, NM_001349624.3, NM_001349625.2 and 10 more transcripts); c.3095A>G, p.His1032Arg (NM_001410738.1); c.296A>G, p.His99Arg (NM_001349613.1); short protein forms H1032R, H1056R, H99R, H80R, H1026R.
Identifiers: ClinVar variation 3136907 (VCV003136907.3), dbSNP rs142986673, ClinGen allele CA566852.
Genomic context (GRCh38, chr1:7,736,444, plus strand): 5'-GCCGTGTGGTCGTGGTATGCGAGAAGATGATGAGCCGAGCCTGCTGGGCGAAGTCCAAGC[A>G]CTTGATCCACTCAAAGACTTTCCGCGGAATGACCCTACTCCACCTGGCCGCTGCCCAGGG-3'
Protein context (NP_056030.1, residues 1046-1066): MSRACWAKSK[His1056Arg]LIHSKTFRGM

ClinVar aggregate classification (germline): Conflicting classifications of pathogenicity. Review status: criteria provided, conflicting classifications (1 of 4 stars). 2 submissions from 2 submitters: Uncertain significance (1); Likely benign (1). Last evaluated 2024-08-02.

Conditions:
Inborn genetic diseases. Identifiers: MedGen C0950123, MeSH D030342.

Allele frequency attached by ClinVar (database versions not stated): gnomAD exomes 0.00002; ExAC 0.00006; gnomAD 0.00017; TOPMed 0.00019; 1000 Genomes Project 0.00020; 1000 Genomes Project 30x 0.00031; ESP Exome Variant Server 0.00031.
gnomAD v4.1: 53 of 1,614,104 alleles (0.0033%); highest among the groups gnomAD compares: African/African-American, 0.047%; no homozygotes.

Submissions (2):

Labcorp Genetics (formerly Invitae), Labcorp
Classification: Uncertain significance. Last evaluated: 2024-08-02. Review status: criteria provided, single submitter. Criteria: Invitae Variant Classification Sherloc (09022015). Collection method: clinical testing. Allele origin: germline.
Comment: This sequence change replaces histidine, which is basic and polar, with arginine, which is basic and polar, at codon 1056 of the CAMTA1 protein (p.His1056Arg). This variant is present in population databases (rs142986673, gnomAD 0.05%), and has an allele count higher than expected for a pathogenic variant. This variant has not been reported in the literature in individuals affected with CAMTA1-related conditions. An algorithm developed to predict the effect of missense changes on protein structure and function (PolyPhen-2) suggests that this variant is likely to be disruptive. In summary, the available evidence is currently insufficient to determine the role of this variant in disease. Therefore, it has been classified as a Variant of Uncertain Significance.

Ambry Genetics
Classification: Likely benign for Inborn genetic diseases. Last evaluated: 2024-03-08. Review status: criteria provided, single submitter. Criteria: Ambry Variant Classification Scheme 2023. Collection method: clinical testing. Allele origin: germline.